The following is an entry in ClinVar:

NM_024675.4(PALB2):c.492T>G (p.Phe164Leu)

Gene: PALB2 (partner and localizer of BRCA2; minus strand). Cytogenetic location: 16p12.2.
Variant type: single nucleotide variant.
Coding change: c.492T>G on transcript NM_024675.4 (MANE Select); coding-DNA position 492, T replaced by G.
Protein change: p.Phe164Leu; replaces phenylalanine 164 with leucine.
Molecular consequence: missense variant. On other transcripts: 5 prime UTR variant (8), intron variant (3).
Genome position (GRCh38, 1-based): chr16:23,636,054, A>C on the plus strand (T>G on the coding strand, the complement: PALB2 is on the minus strand). VCF-style: chr16-23636054-A-C. GRCh37 (hg19) VCF-style: chr16-23647375-A-C.
Other names: c.432T>G, p.Phe144Leu (NM_001407296.1); c.492T>G, p.Phe164Leu (NM_001407297.1, NM_001407298.1, NM_001407299.1 and 3 more transcripts); c.-394T>G (NM_001407304.1, NM_001407305.1, NM_001407306.1 and 5 more transcripts); c.48+5056T>G (NM_001407314.1); c.-105+5056T>G (NM_001407313.1, NM_001407312.1); short protein forms F144L, F164L.
Identifiers: ClinVar variation 3413457 (VCV003413457.1).

ClinVar aggregate classification (germline): Uncertain significance (1 of 4 stars; one submission).

Conditions:
Hereditary cancer-predisposing syndrome. Also called: Neoplastic Syndromes, Hereditary; Tumor predisposition; Hereditary Cancer Syndrome; Hereditary neoplastic syndrome. Identifiers: Orphanet 140162, MedGen C0027672, MeSH D009386, MONDO:0015356.

gnomAD v4.1: 1 of 1,614,076 alleles (0.000062%); highest among the groups gnomAD compares: Non-Finnish European, 0.000085%; no homozygotes.

Submission:

Ambry Genetics
Classification: Uncertain significance for Hereditary cancer-predisposing syndrome. Last evaluated: 2024-08-18. Review status: criteria provided, single submitter. Criteria: Ambry Variant Classification Scheme 2023. Collection method: clinical testing. Allele origin: germline.
Comment: The p.F164L variant (also known as c.492T>G), located in coding exon 4 of the PALB2 gene, results from a T to G substitution at nucleotide position 492. The phenylalanine at codon 164 is replaced by leucine, an amino acid with highly similar properties. This amino acid position is conserved. In addition, this alteration is predicted to be tolerated by in silico analysis. Based on the available evidence, the clinical significance of this variant remains unclear.